The following is an entry in ClinVar:

ClinVar aggregate classification (germline): Uncertain significance (1 of 4 stars; one submission).

Conditions:
DICER1-related tumor predisposition. Also called: DICER1-related pleuropulmonary blastoma cancer predisposition syndrome; DICER1 syndrome. Identifiers: Orphanet 284343, MedGen C3839822, MONDO:0100216.

Submission:

Labcorp Genetics (formerly Invitae), Labcorp
Classification: Uncertain significance for DICER1-related tumor predisposition. Last evaluated: 2023-02-23. Review status: criteria provided, single submitter. Criteria: Invitae Variant Classification Sherloc (09022015). Collection method: clinical testing. Allele origin: germline.
Comment: This variant, c.5389_5391dup, results in the insertion of 1 amino acid(s) of the DICER1 protein (p.Glu1797dup), but otherwise preserves the integrity of the reading frame. This variant is not present in population databases (gnomAD no frequency). This variant has not been reported in the literature in individuals affected with DICER1-related conditions. In summary, the available evidence is currently insufficient to determine the role of this variant in disease. Therefore, it has been classified as a Variant of Uncertain Significance.

NM_177438.3(DICER1):c.5389_5391dup (p.Glu1797_Lys1798insGlu)

Gene: DICER1 (dicer 1, ribonuclease III; minus strand). Cytogenetic location: 14q32.13.
Variant type: Duplication.
Coding change: c.5389_5391dup on transcript NM_177438.3 (MANE Select); coding-DNA positions 5389 to 5391, 3 bases duplicated (GAG; older notation c.5389_5391dupGAG).
Protein change: p.Glu1797_Lys1798insGlu.
Molecular consequence: inframe insertion. On other transcripts: inframe indel (1), non-coding transcript variant (6), intron variant (1).
Genome position (GRCh38, 1-based): chr14:95,091,339-95,091,341, CTC duplicated on the plus strand (GAG on the coding strand, the reverse complement: DICER1 is on the minus strand). VCF-style (leftmost placement, unchanged base first): chr14-95091338-T-TCTC. GRCh37 (hg19) VCF-style: chr14-95557675-T-TCTC.
Other names: c.5389_5391dup, p.Glu1797_Lys1798insGlu (NM_001271282.3, NM_001291628.2, NM_001395677.1 and 8 more transcripts); c.5107_5109dup, p.Glu1703_Lys1704insGlu (NM_001395686.1); c.4984_4986dup, p.Glu1662_Lys1663insGlu (NM_001395687.1, NM_001395688.1, NM_001395689.1 and 1 more transcripts); c.4822_4824dup, p.Glu1608_Lys1609insGlu (NM_001395691.1); c.3706_3708dup, p.Glu1236_Lys1237insGlu (NM_001395697.1); c.5365-232_5365-230dup (NM_001195573.1).
Identifiers: ClinVar variation 2877890 (VCV002877890.3), dbSNP rs2542407627, ClinGen allele CA2739278091.